The following is an entry in ClinVar:

NM_000268.3(NF2):c.-752G>C

Gene: NF2 (NF2, moesin-ezrin-radixin like (MERLIN) tumor suppressor; plus strand). Cytogenetic location: 22q12.2.
Variant type: single nucleotide variant.
Coding change: c.-752G>C on transcript NM_000268.3; 752 bases upstream of the start codon, G replaced by C.
Genome position (GRCh38, 1-based): chr22:29,603,247, G>C. VCF-style: chr22-29603247-G-C. GRCh37 (hg19) VCF-style: chr22-29999236-G-C.
Identifiers: ClinVar variation 683799 (VCV000683799.3), dbSNP rs1800538, ClinGen allele CA14937908.

ClinVar aggregate classification (germline): Benign (1 of 4 stars; one submission).

Allele frequency attached by ClinVar (database versions not stated): 1000 Genomes Project 0.17572; gnomAD 0.24203 and 0.23685; 1000 Genomes Project 30x 0.18020; TOPMed 0.22911.

Submission:

GeneDx
Classification: Benign. Last evaluated: 2018-06-14. Review status: criteria provided, single submitter. Criteria: GeneDx Variant Classification (06012015). Collection method: clinical testing. Allele origin: germline. Affected: yes.
Comment: This variant is considered likely benign or benign based on one or more of the following criteria: it is a conservative change, it occurs at a poorly conserved position in the protein, it is predicted to be benign by multiple in silico algorithms, and/or has population frequency not consistent with disease.